The following is an entry in ClinVar:

ClinVar aggregate classification (germline): Conflicting classifications of pathogenicity. Review status: criteria provided, conflicting classifications (1 of 4 stars). 3 submissions from 3 submitters: Uncertain significance (2); Benign (1). Last evaluated 2026-05-06.

Conditions:
Renal hypomagnesemia 6. Identifiers: Orphanet 34527, MedGen C3151295, MONDO:0013480, OMIM 613882.

Allele frequency attached by ClinVar (database versions not stated): gnomAD 0.00011; TOPMed 0.00012.
gnomAD v4.1: 210 of 1,613,216 alleles (0.013%); highest among the groups gnomAD compares: Non-Finnish European, 0.017%; no homozygotes.

Submissions (3):

Revvity Omics, Revvity
Classification: Benign. Last evaluated: 2026-05-06. Review status: criteria provided, single submitter. Criteria: ACMG Guidelines, 2015. Collection method: clinical testing. Allele origin: germline.

Labcorp Genetics (formerly Invitae), Labcorp
Classification: Uncertain significance. Last evaluated: 2025-01-01. Review status: criteria provided, single submitter. Criteria: Invitae Variant Classification Sherloc (09022015). Collection method: clinical testing. Allele origin: germline.
Comment: This sequence change affects codon 588 of the CNNM2 mRNA. It is a 'silent' change, meaning that it does not change the encoded amino acid sequence of the CNNM2 protein. It affects a nucleotide within the consensus splice site. This variant is present in population databases (rs747058788, gnomAD 0.01%). This variant has not been reported in the literature in individuals affected with CNNM2-related conditions. ClinVar contains an entry for this variant (Variation ID: 298644). Algorithms developed to predict the effect of sequence changes on RNA splicing suggest that this variant is not likely to affect RNA splicing. In summary, the available evidence is currently insufficient to determine the role of this variant in disease. Therefore, it has been classified as a Variant of Uncertain Significance.

Illumina Laboratory Services, Illumina
Classification: Uncertain significance for Renal hypomagnesemia 6. Last evaluated: 2018-01-13. Review status: criteria provided, single submitter. Criteria: ICSL Variant Classification Criteria 13 December 2019. Collection method: clinical testing. Allele origin: germline.

NM_017649.5(CNNM2):c.1764C>T (p.Tyr588=)

Gene: CNNM2 (cyclin and CBS domain divalent metal cation transport mediator 2; plus strand). Cytogenetic location: 10q24.32.
Variant type: single nucleotide variant.
Coding change: c.1764C>T on transcript NM_017649.5 (MANE Select); coding-DNA position 1764, C replaced by T.
Protein change: p.Tyr588=; no amino-acid change (tyrosine 588 retained).
Molecular consequence: synonymous variant.
Genome position (GRCh38, 1-based): chr10:103,049,849, C>T. VCF-style: chr10-103049849-C-T. GRCh37 (hg19) VCF-style: chr10-104809606-C-T.
Other names: c.1764C>T, p.Tyr588= (NM_199076.3).
Identifiers: ClinVar variation 298644 (VCV000298644.9), dbSNP rs747058788, ClinGen allele CA5670441.